The following is an entry in ClinVar:

NM_000232.5(SGCB):c.-21G>C

Genes: SGCB (sarcoglycan beta; minus strand), LOC129992585 (ATAC-STARR-seq lymphoblastoid silent region 15421; plus strand). Cytogenetic location: 4q12.
Variant type: single nucleotide variant.
Coding change: c.-21G>C on transcript NM_000232.5 (MANE Select); 21 bases upstream of the start codon, G replaced by C.
Molecular consequence: 5 prime UTR variant.
Genome position (GRCh38, 1-based): chr4:52,038,280, C>G on the plus strand (G>C on the coding strand, the complement: SGCB is on the minus strand). VCF-style: chr4-52038280-C-G. GRCh37 (hg19) VCF-style: chr4-52904446-C-G.
Identifiers: ClinVar variation 388695 (VCV000388695.1), dbSNP rs551252676, ClinGen allele CA2918528.

ClinVar aggregate classification (germline): Likely benign (1 of 4 stars; one submission).

Allele frequency attached by ClinVar (database versions not stated): ExAC below 0.00001; gnomAD exomes 0.00017; TOPMed 0.00026; gnomAD 0.00032; 1000 Genomes Project 30x 0.00125; 1000 Genomes Project 0.00160.
gnomAD v4.1: 152 of 1,292,600 alleles (0.012%); highest among the groups gnomAD compares: Middle Eastern, 0.12%; 1 homozygote.

Submission:

GeneDx
Classification: Likely benign. Last evaluated: 2017-07-19. Review status: criteria provided, single submitter. Criteria: GeneDx Variant Classification (06012015). Collection method: clinical testing. Allele origin: germline. Affected: yes.
Comment: This variant is considered likely benign or benign based on one or more of the following criteria: it is a conservative change, it occurs at a poorly conserved position in the protein, it is predicted to be benign by multiple in silico algorithms, and/or has population frequency not consistent with disease.